The following is an entry in ClinVar:

NM_001065.4(TNFRSF1A):c.1033G>A (p.Ala345Thr)

Gene: TNFRSF1A (TNF receptor superfamily member 1A; minus strand). Cytogenetic location: 12p13.31.
Variant type: single nucleotide variant.
Coding change: c.1033G>A on transcript NM_001065.4 (MANE Select); coding-DNA position 1033, G replaced by A.
Protein change: p.Ala345Thr; replaces alanine 345 with threonine.
Molecular consequence: missense variant. On other transcripts: non-coding transcript variant (1).
Genome position (GRCh38, 1-based): chr12:6,329,802, C>T on the plus strand (G>A on the coding strand, the complement: TNFRSF1A is on the minus strand). VCF-style: chr12-6329802-C-T. GRCh37 (hg19) VCF-style: chr12-6438968-C-T.
Other names: c.709G>A, p.Ala237Thr (NM_001346091.2); c.574G>A, p.Ala192Thr (NM_001346092.2); short protein forms A192T, A345T, A237T.
Identifiers: ClinVar variation 2795310 (VCV002795310.3), dbSNP rs1204889937, ClinGen allele CA383545618.

ClinVar aggregate classification (germline): Uncertain significance (1 of 4 stars; one submission).

Conditions:
TNF receptor-associated periodic fever syndrome (TRAPS) (FPF). Also called: FAMILIAL HIBERNIAN FEVER; TNF RECEPTOR-ASSOCIATED PERIODIC SYNDROME; TUMOR NECROSIS FACTOR RECEPTOR-ASSOCIATED PERIODIC SYNDROME; Autosomal Dominant Familial Periodic Fever; TNF Receptor-Associated Periodic Fever Syndrome; TNF receptor 1-associated periodic fever syndrome. Identifiers: Orphanet 32960, MedGen C1275126, MONDO:0007727, OMIM 142680.

Submission:

Labcorp Genetics (formerly Invitae), Labcorp
Classification: Uncertain significance for TNF receptor-associated periodic fever syndrome (TRAPS). Last evaluated: 2023-01-10. Review status: criteria provided, single submitter. Criteria: Invitae Variant Classification Sherloc (09022015). Collection method: clinical testing. Allele origin: germline.
Comment: This sequence change replaces alanine, which is neutral and non-polar, with threonine, which is neutral and polar, at codon 345 of the TNFRSF1A protein (p.Ala345Thr). This variant is not present in population databases (gnomAD no frequency). This variant has not been reported in the literature in individuals affected with TNFRSF1A-related conditions. Algorithms developed to predict the effect of missense changes on protein structure and function output the following: SIFT: "Tolerated"; PolyPhen-2: "Benign"; Align-GVGD: "Class C0". The threonine amino acid residue is found in multiple mammalian species, which suggests that this missense change does not adversely affect protein function. In summary, the available evidence is currently insufficient to determine the role of this variant in disease. Therefore, it has been classified as a Variant of Uncertain Significance.